The following is an entry in ClinVar:

ClinVar aggregate classification (germline): Benign. Review status: criteria provided, multiple submitters, no conflicts (2 of 4 stars). 3 submissions from 3 submitters: Benign (3). Last evaluated 2023-11-12.

Allele frequency attached by ClinVar (database versions not stated): 1000 Genomes Project 30x 0.99969; 1000 Genomes Project 0.99980; TOPMed 0.99987; gnomAD 0.99989 and 0.99990.

Submissions (3):

Unidad de Genómica Garrahan, Hospital de Pediatría Garrahan
Classification: Benign. Last evaluated: 2023-11-12. Review status: criteria provided, single submitter. Criteria: ACMG Guidelines, 2015. Collection method: clinical testing. Allele origin: germline. Affected: no. Observed: 93 variant alleles.
Comment: This variant is classified as Benign based on local population frequency. This variant was detected in 97% of patients studied by a panel of primary immunodeficiencies. Number of patients: 93. Only high quality variants are reported.

GeneDx
Classification: Benign. Last evaluated: 2021-06-19. Review status: criteria provided, single submitter. Criteria: GeneDx Variant Classification Process June 2021. Collection method: clinical testing. Allele origin: germline. Affected: yes.

Breakthrough Genomics
Classification: Benign. Review status: criteria provided, single submitter. Criteria: ACMG Guidelines, 2015. Collection method: not provided. Allele origin: germline. Inheritance: Autosomal recessive inheritance. Affected: yes.

NM_007315.4(STAT1):c.1446+56A>G

Gene: STAT1 (signal transducer and activator of transcription 1; minus strand). Cytogenetic location: 2q32.2.
Variant type: single nucleotide variant.
Coding change: c.1446+56A>G on transcript NM_007315.4 (MANE Select); 56 bases into the intron after coding-DNA position 1446, A replaced by G.
Molecular consequence: intron variant.
Genome position (GRCh38, 1-based): chr2:190,983,586, T>C on the plus strand (A>G on the coding strand, the complement: STAT1 is on the minus strand). VCF-style: chr2-190983586-T-C. GRCh37 (hg19) VCF-style: chr2-191848312-T-C.
Other names: c.1356+56A>G (NM_001384890.1); c.1347+56A>G (NM_001384883.1); c.1287+56A>G (NM_001384885.1); c.1353+56A>G (NM_001384887.1); c.1386+56A>G (NM_001384880.1); c.1416+56A>G (NM_001384888.1); c.1440+56A>G (NM_001384882.1); c.1446+56A>G (NM_001384889.1, NM_001384886.1, NM_139266.3); and 2 more.
Identifiers: ClinVar variation 1250308 (VCV001250308.5), dbSNP rs12477076, ClinGen allele CA62670953.